The following is an entry in ClinVar:

ClinVar aggregate classification (germline): Uncertain significance (1 of 4 stars; one submission).

Conditions:
Achondrogenesis, type IA (ACG1A). Identifiers: Orphanet 932, Orphanet 93299, MedGen C0265273, MONDO:0008701, OMIM 200600.

Submission:

Labcorp Genetics (formerly Invitae), Labcorp
Classification: Uncertain significance for Achondrogenesis, type IA. Last evaluated: 2025-04-02. Review status: criteria provided, single submitter. Criteria: Invitae Variant Classification Sherloc (09022015). Collection method: clinical testing. Allele origin: germline.
Comment: This variant, c.3778_3780del, results in the deletion of 1 amino acid(s) of the TRIP11 protein (p.Asn1260del), but otherwise preserves the integrity of the reading frame. This variant is not present in population databases (gnomAD no frequency). This variant has not been reported in the literature in individuals affected with TRIP11-related conditions. Experimental studies and prediction algorithms are not available or were not evaluated, and the functional significance of this variant is currently unknown. In summary, the available evidence is currently insufficient to determine the role of this variant in disease. Therefore, it has been classified as a Variant of Uncertain Significance.

NM_004239.4(TRIP11):c.3775AAT[1] (p.Asn1260del)

Gene: TRIP11 (thyroid hormone receptor interactor 11; minus strand). Cytogenetic location: 14q32.12.
Variant type: Microsatellite.
Coding change: c.3775AAT[1] on transcript NM_004239.4 (MANE Select); one copy of the 3-base unit AAT starting at c.3775; the reference has two copies in a row; one copy, 3 bases deleted.
Protein change: p.Asn1260del; deletes asparagine 1260.
Genome position (GRCh38, 1-based): chr14:92,004,196-92,004,198, ATT deleted on the plus strand (AAT on the coding strand, the reverse complement: TRIP11 is on the minus strand); deleting any 3 consecutive bases within chr14:92,004,196-92,004,203 gives the same sequence; the position shown is the placement nearest the transcript's 3' end. VCF-style (leftmost placement, unchanged base first): chr14-92004195-AATT-A. GRCh37 (hg19) VCF-style: chr14-92470539-AATT-A.
Other names: c.3772AAT[1], p.Asn1259del (NM_001321851.1); short protein forms N1259del, N1260del.
Identifiers: ClinVar variation 4770598 (VCV004770598.1).
Genomic context (GRCh38, chr14:92,004,195, plus strand): 5'-GTTTGGTTTCATTCTGCTCATAACTTTGGATCAGGCCAGTATAGTCCACTTGTAATTTAG[AATT>A]ATTATCACTGTCAACCAAAACCTGTGCTTGAAGTTGGTGAAGCTCTTCCTGAAGCTGGGC-3'